The following is an entry in ClinVar:

ClinVar aggregate classification (germline): Uncertain significance (1 of 4 stars; one submission).

Conditions:
Blau syndrome (BLAUS). Also called: ARTHROCUTANEOUVEAL GRANULOMATOSIS; GRANULOMATOSIS, FAMILIAL JUVENILE SYSTEMIC; GRANULOMATOSIS, FAMILIAL, BLAU TYPE; GRANULOMATOUS INFLAMMATORY ARTHRITIS, DERMATITIS, AND UVEITIS, FAMILIAL; JABS SYNDROME. Identifiers: Orphanet 90340, MedGen C5201146, MONDO:0008523, OMIM 186580.
Regional enteritis. Also called: Enteritis, Granulomatous. Identifiers: MedGen C0678202, MeSH D003424.

Submission:

Labcorp Genetics (formerly Invitae), Labcorp
Classification: Uncertain significance for Regional enteritis; Blau syndrome. Last evaluated: 2020-12-09. Review status: criteria provided, single submitter. Criteria: Invitae Variant Classification Sherloc (09022015). Collection method: clinical testing. Allele origin: germline.
Comment: In summary, the available evidence is currently insufficient to determine the role of this variant in disease. Therefore, it has been classified as a Variant of Uncertain Significance. Experimental studies and prediction algorithms are not available or were not evaluated, and the functional significance of this variant is currently unknown. This sequence change creates a premature translational stop signal (p.Gln115*) in the NOD2 gene. It is expected to result in an absent or disrupted protein product. However, the current clinical and genetic evidence is not sufficient to establish whether loss-of-function variants in NOD2 cause disease. This variant is not present in population databases (ExAC no frequency). This variant has not been reported in the literature in individuals with NOD2-related conditions.

NM_001370466.1(NOD2):c.262C>T (p.Gln88Ter)

Gene: NOD2 (nucleotide binding oligomerization domain containing 2; plus strand). Cytogenetic location: 16q12.1.
Variant type: single nucleotide variant.
Coding change: c.262C>T on transcript NM_001370466.1 (MANE Select); coding-DNA position 262, C replaced by T.
Protein change: p.Gln88Ter; replaces glutamine 88 with a stop codon.
Molecular consequence: nonsense. On other transcripts: non-coding transcript variant (1).
Genome position (GRCh38, 1-based): chr16:50,699,757, C>T. VCF-style: chr16-50699757-C-T. GRCh37 (hg19) VCF-style: chr16-50733668-C-T.
Other names: c.262C>T, p.Gln88Ter (NM_001293557.2); c.343C>T, p.Gln115Ter (NM_022162.3); short protein forms Q115*, Q88*.
Identifiers: ClinVar variation 1492491 (VCV001492491.6), dbSNP rs2150782258, ClinGen allele CA395866280.